The following is an entry in ClinVar:

ClinVar aggregate classification (germline): Uncertain significance (1 of 4 stars; one submission).

Submission:

Labcorp Genetics (formerly Invitae), Labcorp
Classification: Uncertain significance. Last evaluated: 2025-02-10. Review status: criteria provided, single submitter. Criteria: Invitae Variant Classification Sherloc (09022015). Collection method: clinical testing. Allele origin: germline.
Comment: This sequence change replaces valine, which is neutral and non-polar, with glycine, which is neutral and non-polar, at codon 184 of the NEUROD1 protein (p.Val184Gly). This variant is not present in population databases (gnomAD no frequency). This variant has not been reported in the literature in individuals affected with NEUROD1-related conditions. Invitae Evidence Modeling of protein sequence and biophysical properties (such as structural, functional, and spatial information, amino acid conservation, physicochemical variation, residue mobility, and thermodynamic stability) indicates that this missense variant is expected to disrupt NEUROD1 protein function with a positive predictive value of 80%. In summary, the available evidence is currently insufficient to determine the role of this variant in disease. Therefore, it has been classified as a Variant of Uncertain Significance.

NM_002500.5(NEUROD1):c.551T>G (p.Val184Gly)

Gene: NEUROD1 (neuronal differentiation 1; minus strand). Cytogenetic location: 2q31.3.
Variant type: single nucleotide variant.
Coding change: c.551T>G on transcript NM_002500.5 (MANE Select); coding-DNA position 551, T replaced by G.
Protein change: p.Val184Gly; replaces valine 184 with glycine.
Molecular consequence: missense variant.
Genome position (GRCh38, 1-based): chr2:181,678,310, A>C on the plus strand (T>G on the coding strand, the complement: NEUROD1 is on the minus strand). VCF-style: chr2-181678310-A-C. GRCh37 (hg19) VCF-style: chr2-182543037-A-C.
Other names: short protein forms V184G.
Identifiers: ClinVar variation 4743803 (VCV004743803.1).